The following is an entry in ClinVar:

ClinVar aggregate classification (germline): Uncertain significance (1 of 4 stars; one submission).

Conditions:
Epileptic encephalopathy. Identifiers: MedGen C0543888, HP:0200134.

Allele frequency attached by ClinVar (database versions not stated): gnomAD exomes below 0.00001; TOPMed 0.00001.

Submission:

Labcorp Genetics (formerly Invitae), Labcorp
Classification: Uncertain significance for Epileptic encephalopathy. Last evaluated: 2019-10-29. Review status: criteria provided, single submitter. Criteria: Invitae Variant Classification Sherloc (09022015). Collection method: clinical testing. Allele origin: germline.
Comment: Algorithms developed to predict the effect of missense changes on protein structure and function output the following: SIFT: "Tolerated"; PolyPhen-2: "Benign"; Align-GVGD: "Class C0". The serine amino acid residue is found in multiple mammalian species, suggesting that this missense change does not adversely affect protein function. These predictions have not been confirmed by published functional studies. In summary, this variant is a novel missense change that is not predicted to affect protein function. There is no indication that it causes disease, but the available evidence is currently insufficient to prove that conclusively. Therefore, it has been classified as a Variant of Uncertain Significance. This variant is not present in population databases (ExAC no frequency) and has not been reported in the literature in individuals with a FASN-related disease. This sequence change replaces cysteine with serine at codon 1448 of the FASN protein (p.Cys1448Ser). The cysteine residue is moderately conserved and there is a moderate physicochemical difference between cysteine and serine.

NM_004104.5(FASN):c.4343G>C (p.Cys1448Ser)

Gene: FASN (fatty acid synthase; minus strand). Cytogenetic location: 17q25.3.
Variant type: single nucleotide variant.
Coding change: c.4343G>C on transcript NM_004104.5 (MANE Select); coding-DNA position 4343, G replaced by C.
Protein change: p.Cys1448Ser; replaces cysteine 1448 with serine.
Molecular consequence: missense variant.
Genome position (GRCh38, 1-based): chr17:82,085,101, C>G on the plus strand (G>C on the coding strand, the complement: FASN is on the minus strand). VCF-style: chr17-82085101-C-G. GRCh37 (hg19) VCF-style: chr17-80042977-C-G.
Other names: short protein forms C1448S.
Identifiers: ClinVar variation 462054 (VCV000462054.10), dbSNP rs1421575793, ClinGen allele CA401547085.